The following is an entry in ClinVar:

NM_000051.4(ATM):c.7010_7011del (p.Cys2337fs)

Genes: ATM (ATM serine/threonine kinase; plus strand), C11orf65 (chromosome 11 open reading frame 65; minus strand). Cytogenetic location: 11q22.3.
Variant type: Deletion.
Coding change: c.7010_7011del on transcript NM_000051.4 (MANE Select); coding-DNA positions 7010 to 7011, 2 bases deleted (GT; older notation c.7010_7011delGT).
Protein change: p.Cys2337fs; shifts the reading frame from cysteine 2337.
Molecular consequence: frameshift variant. On other transcripts: intron variant (2).
Genome position (GRCh38, 1-based): chr11:108,327,679-108,327,680, GT deleted; deleting any 2 consecutive bases within chr11:108,327,678-108,327,680 gives the same sequence; the c. name uses the placement nearest the transcript's 3' end. VCF-style (leftmost placement, unchanged base first): chr11-108327677-ATG-A. GRCh37 (hg19) VCF-style: chr11-108198404-ATG-A.
Other names: c.7010_7011del, p.Cys2337fs (NM_001351834.2); c.641-18608_641-18607del (NM_001330368.2); c.*38+7541_*38+7542del (NM_001351110.2); short protein forms C2337fs.
Identifiers: ClinVar variation 220198 (VCV000220198.24), dbSNP rs864622416, ClinGen allele CA349869.

ClinVar aggregate classification (germline): Pathogenic. Review status: criteria provided, multiple submitters, no conflicts (2 of 4 stars). 8 submissions from 8 submitters: Pathogenic (8). Last evaluated 2026-01-18.

Conditions:
Hereditary cancer-predisposing syndrome. Also called: Neoplastic Syndromes, Hereditary; Hereditary neoplastic syndrome; Tumor predisposition; Hereditary Cancer Syndrome. Identifiers: Orphanet 140162, MedGen C0027672, MeSH D009386, MONDO:0015356.
Familial cancer of breast. Also called: hereditary breast carcinoma; Hereditary breast cancer; BREAST CANCER, FAMILIAL. Identifiers: Orphanet 227535, MedGen C0346153, MONDO:0016419, OMIM 114480. Disease mechanism: loss of function.
Ataxia-telangiectasia syndrome (AT). Also called: Ataxia telangiectasia (A-T); Cerebello-oculocutaneous telangiectasia; Immunodeficiency with ataxia telangiectasia; LOUIS-BAR SYNDROME; AT, COMPLEMENTATION GROUP C; ATAXIA-TELANGIECTASIA, FRESNO VARIANT. Identifiers: Orphanet 100, MedGen C0004135, MONDO:0008840, OMIM 208900.

Submissions (8):

Labcorp Genetics (formerly Invitae), Labcorp
Classification: Pathogenic for Ataxia-telangiectasia syndrome. Last evaluated: 2026-01-18. Review status: criteria provided, single submitter. Criteria: Invitae Variant Classification Sherloc (09022015). Collection method: clinical testing. Allele origin: germline.
Comment: This sequence change creates a premature translational stop signal (p.Cys2337Serfs*35) in the ATM gene. It is expected to result in an absent or disrupted protein product. Loss-of-function variants in ATM are known to be pathogenic (PMID: 23807571, 25614872). This variant is not present in population databases (gnomAD no frequency). This premature translational stop signal has been observed in individual(s) with ataxia-telangiectasia (PMID: 8659541, 9443866, 16266405, 25614872). This variant is also known as 7009delTG. ClinVar contains an entry for this variant (Variation ID: 220198). For these reasons, this variant has been classified as Pathogenic.

Ambry Genetics
Classification: Pathogenic for Hereditary cancer-predisposing syndrome. Last evaluated: 2025-10-02. Review status: criteria provided, single submitter. Criteria: Ambry Variant Classification Scheme 2023. Collection method: clinical testing. Allele origin: germline.
Comment: The c.7010_7011delGT pathogenic mutation, located in coding exon 47 of the ATM gene, results from a deletion of two nucleotides at nucleotide positions 7010 to 7011, causing a translational frameshift with a predicted alternate stop codon (p.C2337Sfs*35). This mutation has been well documented in the literature in a compound heterozygous state in multiple individuals with Ataxia Telangiectasia (A-T) (Buzin CH et al. Hum. Mutat. 2003 Feb; 21(2):123-31; Li A et al. Am. J. Med. Genet. 2000 May; 92(3):170-7; Mitui M et al. Ann. Hum. Genet. 2005 Nov; 69(Pt 6):657-64; Podralska MJ et al. Mol Genet Genomic Med. 2014 Nov; 2(6):504-11). In addition to the clinical data presented in the literature, this alteration is expected to result in loss of function by premature protein truncation or nonsense-mediated mRNA decay. As such, this alteration is interpreted as a disease-causing mutation.

Color Diagnostics, LLC DBA Color Health
Classification: Pathogenic for Hereditary cancer-predisposing syndrome. Last evaluated: 2025-09-02. Review status: criteria provided, single submitter. Criteria: ACMG Guidelines, 2015. Collection method: clinical testing. Allele origin: germline.
Comment: This variant deletes 2 nucleotides in exon 48 of the ATM gene, creating a frameshift and premature translation stop signal. This variant is expected to result in an absent or non-functional protein product. This variant has been reported in individuals affected with ataxia telangiectasia (PMID: 8659541, 9443866, 16266405, 25614872). This variant has not been identified in the general population by the Genome Aggregation Database (gnomAD). Loss of ATM function is a known mechanism of disease. Based on the available evidence, this variant is classified as Pathogenic.

Myriad Genetics, Inc.
Classification: Pathogenic for Familial cancer of breast. Last evaluated: 2024-01-30. Review status: criteria provided, single submitter. Criteria: Myriad Autosomal Dominant, Autosomal Recessive and X-Linked Classification Criteria (2023). Collection method: clinical testing. Allele origin: unknown.
Comment: This variant is considered pathogenic. This variant creates a frameshift predicted to result in premature protein truncation.

Baylor Genetics
Classification: Pathogenic for Familial cancer of breast. Last evaluated: 2023-05-13. Review status: criteria provided, single submitter. Criteria: ACMG Guidelines, 2015. Collection method: clinical testing. Allele origin: unknown.

GeneDx
Classification: Pathogenic. Last evaluated: 2023-03-07. Review status: criteria provided, single submitter. Criteria: GeneDx Variant Classification Process June 2021. Collection method: clinical testing. Allele origin: germline. Affected: yes.
Comment: Frameshift variant predicted to result in protein truncation or nonsense mediated decay in a gene for which loss of function is a known mechanism of disease; Observed in the heterozygous state in individuals with pancreatic or prostate cancer (Wokolorczyk et al., 2020; Yu et al., 2022); Not observed at significant frequency in large population cohorts (gnomAD); Truncating variants in this gene are considered pathogenic by a well-established clinical consortium and/or database; This variant is associated with the following publications: (PMID: 10817650, 8659541, 12969974, 35047863, 25614872, 32875559, 12511424, 25502423, 16266405, 23807571, 12552559, 9443866)

MGZ Medical Genetics Center
Classification: Pathogenic for Familial cancer of breast. Last evaluated: 2021-09-24. Review status: criteria provided, single submitter. Criteria: ACMG Guidelines, 2015. Collection method: clinical testing. Allele origin: germline. Affected: yes. Observed: 1 variant allele.
Comment: ACMG criteria applied: PVS1, PS4, PM2_SUP

Women's Health and Genetics/Laboratory Corporation of America, LabCorp
Classification: Pathogenic for Ataxia-telangiectasia syndrome. Last evaluated: 2020-05-01. Review status: criteria provided, single submitter. Criteria: LabCorp Variant Classification Summary - May 2015. Collection method: clinical testing. Allele origin: germline.
Comment: Variant summary: ATM c.7010_7011delGT (p.Cys2337SerfsX35) results in a premature termination codon, predicted to cause a truncation of the encoded protein or absence of the protein due to nonsense mediated decay, which are commonly known mechanisms for disease. Truncations downstream of this position have been classified as pathogenic by our laboratory. The variant was absent in 251078 control chromosomes (gnomAD). c.7010_7011delGT has been reported in the literature in multiple individuals affected with Ataxia-Telangiectasia (Telatar_1996, Telatar_1998, Li_2000, Buzin_2003, Podralska_2014). These data indicate that the variant is very likely to be associated with disease. To our knowledge, no experimental evidence demonstrating an impact on protein function has been reported. Three ClinVar submitters (evaluation after 2014) cite the variant as pathogenic. Based on the evidence outlined above, the variant was classified as pathogenic.

Literature cited by the submitters: PubMed 23807571 (cited by Labcorp Genetics (formerly Invitae), Labcorp); PubMed 25614872 (cited by 4 submitters); PubMed 8659541 (cited by 4 submitters); PubMed 9443866 (cited by 3 submitters); PubMed 16266405 (cited by 4 submitters); PubMed 10817650 (cited by Ambry Genetics and Women's Health and Genetics/Laboratory Corporation of America, LabCorp); PubMed 12552559 (cited by Ambry Genetics and Women's Health and Genetics/Laboratory Corporation of America, LabCorp); PubMed 25502423 (cited by Ambry Genetics); PubMed 12969974 (cited by Women's Health and Genetics/Laboratory Corporation of America, LabCorp); PubMed 12511424 (cited by Women's Health and Genetics/Laboratory Corporation of America, LabCorp).